The following is an entry in ClinVar:

NM_001039396.2(MPEG1):c.1437del (p.Phe479fs)

Gene: MPEG1 (macrophage expressed 1; minus strand). Cytogenetic location: 11q12.1.
Variant type: Deletion.
Coding change: c.1437del on transcript NM_001039396.2 (MANE Select); coding-DNA position 1437, one base deleted (T; older notation c.1437delT).
Protein change: p.Phe479fs; shifts the reading frame from phenylalanine 479.
Molecular consequence: frameshift variant.
Genome position (GRCh38, 1-based): chr11:59,211,429, A deleted on the plus strand (T on the coding strand, the reverse complement: MPEG1 is on the minus strand); the first of 5 consecutive A bases (chr11:59,211,429-59,211,433); deleting any one gives the same sequence. VCF-style (leftmost placement, unchanged base first): chr11-59211428-CA-C. GRCh37 (hg19) VCF-style: chr11-58978901-CA-C.
Other names: short protein forms F479fs.
Identifiers: ClinVar variation 4886277 (VCV004886277.2).

ClinVar aggregate classification (germline): Uncertain significance (1 of 4 stars; one submission).

Submission:

Dasa
Classification: Uncertain significance. Last evaluated: 2025-02-02. Review status: criteria provided, single submitter. Criteria: DASA Assertion Criteria. Collection method: clinical testing. Allele origin: germline.
Comment: NM_001039396.2(MPEG1):c.1437del (p.Phe479Leufs*10) is a frameshift variant in MPEG1 predicted to alter the reading frame and introduce a premature termination codon. This variant is absent from population databases. The currently available literature and clinical evidence are not sufficient to establish a definitive association between this variant and the reported condition. Therefore, this variant is classified as a variant of uncertain significance.